The following is an entry in ClinVar:

ClinVar aggregate classification (germline): Uncertain significance (1 of 4 stars; one submission).

Conditions:
Cranioectodermal dysplasia 2 (CED2). Identifiers: Orphanet 1515, MedGen C3150874, MONDO:0013323, OMIM 613610.
Short-rib thoracic dysplasia 7 with or without polydactyly (SRTD7). Also called: Short rib polydactyly syndrome 5; SHORT-RIB THORACIC DYSPLASIA 7 WITH POLYDACTYLY. Identifiers: Orphanet 498497, Orphanet 93271, MedGen C3279792, MONDO:0013569, OMIM 614091.

Allele frequency attached by ClinVar (database versions not stated): gnomAD exomes 0.00001; TOPMed 0.00004; gnomAD 0.00007.
gnomAD v4.1: 14 of 1,614,034 alleles (0.00087%); highest among the groups gnomAD compares: Admixed American, 0.022%; no homozygotes.

Submission:

Labcorp Genetics (formerly Invitae), Labcorp
Classification: Uncertain significance for Cranioectodermal dysplasia 2; Short-rib thoracic dysplasia 7 with or without polydactyly. Last evaluated: 2022-02-03. Review status: criteria provided, single submitter. Criteria: Invitae Variant Classification Sherloc (09022015). Collection method: clinical testing. Allele origin: germline.
Comment: This sequence change replaces glutamic acid, which is acidic and polar, with lysine, which is basic and polar, at codon 755 of the WDR35 protein (p.Glu755Lys). This variant is present in population databases (no rsID available, gnomAD 0.009%). This variant has not been reported in the literature in individuals affected with WDR35-related conditions. Algorithms developed to predict the effect of missense changes on protein structure and function are either unavailable or do not agree on the potential impact of this missense change (SIFT: "Deleterious"; PolyPhen-2: "Probably Damaging"; Align-GVGD: "Class C0"). In summary, the available evidence is currently insufficient to determine the role of this variant in disease. Therefore, it has been classified as a Variant of Uncertain Significance.

NM_020779.4(WDR35):c.2230G>A (p.Glu744Lys)

Gene: WDR35 (WD repeat domain 35; minus strand). Cytogenetic location: 2p24.1.
Variant type: single nucleotide variant.
Coding change: c.2230G>A on transcript NM_020779.4 (MANE Select); coding-DNA position 2230, G replaced by A.
Protein change: p.Glu744Lys; replaces glutamic acid 744 with lysine.
Molecular consequence: missense variant.
Genome position (GRCh38, 1-based): chr2:19,937,780, C>T on the plus strand (G>A on the coding strand, the complement: WDR35 is on the minus strand). VCF-style: chr2-19937780-C-T. GRCh37 (hg19) VCF-style: chr2-20137541-C-T.
Other names: c.2263G>A, p.Glu755Lys (NM_001006657.2); short protein forms E744K, E755K.
Identifiers: ClinVar variation 1504132 (VCV001504132.8), dbSNP rs1420842472, ClinGen allele CA345943553.